The following is an entry in ClinVar:

NM_182925.5(FLT4):c.2860C>T (p.Pro954Ser)

Gene: FLT4 (fms related receptor tyrosine kinase 4; minus strand). Cytogenetic location: 5q35.3.
Variant type: single nucleotide variant.
Coding change: c.2860C>T on transcript NM_182925.5 (MANE Select); coding-DNA position 2860, C replaced by T.
Protein change: p.Pro954Ser; replaces proline 954 with serine.
Molecular consequence: missense variant.
Genome position (GRCh38, 1-based): chr5:180,618,911, G>A on the plus strand (C>T on the coding strand, the complement: FLT4 is on the minus strand). VCF-style: chr5-180618911-G-A. GRCh37 (hg19) VCF-style: chr5-180045911-G-A.
Other names: c.2860C>T, p.Pro954Ser (NM_001354989.2, NM_002020.5); short protein forms P954S.
Identifiers: ClinVar variation 16264 (VCV000016264.41), dbSNP rs34255532, ClinGen allele CA126343.

ClinVar aggregate classification (germline): Benign/Likely benign. Review status: criteria provided, multiple submitters, no conflicts (2 of 4 stars). 8 submissions from 8 submitters: Benign (4); Likely benign (1). 3 of the submissions do not count toward it. Last evaluated 2026-09-01.

Conditions:
Colorectal cancer. Also called: Colorectal cancer, somatic; Malignant Colorectal Neoplasm. Identifiers: MedGen C0346629, MONDO:0005575, OMIM 114500.
Capillary infantile hemangioma. Also called: Hereditary capillary infantile hemangioma; Hemangioma, capillary infantile, somatic; HEMANGIOMA, HEREDITARY CAPILLARY. Identifiers: MedGen C1865871, MONDO:0011191, OMIM 602089.

Allele frequency attached by ClinVar (database versions not stated): ExAC 0.00820; gnomAD 0.00275; 1000 Genomes Project 0.00339; 1000 Genomes Project 30x 0.00344; TOPMed 0.00411.
gnomAD v4.1: 9,046 of 1,585,876 alleles (0.57%); highest among the groups gnomAD compares: Non-Finnish European, 0.69%; 36 homozygotes.

Submissions (8):

CeGaT Center for Human Genetics Tuebingen
Classification: Likely benign. Last evaluated: 2026-09-01. Review status: criteria provided, single submitter. Criteria: CeGaT Center For Human Genetics Tuebingen Variant Classification Criteria Version 2. Collection method: clinical testing. Allele origin: germline. Affected: yes. Observed: 14 variant alleles.
Comment: FLT4: BP4, BS2

Mendelics
Classification: Benign for Colorectal cancer. Last evaluated: 2023-08-22. Review status: criteria provided, single submitter. Criteria: Mendelics Assertion Criteria 2019. Collection method: clinical testing. Allele origin: germline.

ARUP Laboratories, Molecular Genetics and Genomics, ARUP Laboratories
Classification: Benign. Last evaluated: 2021-08-15. Review status: criteria provided, single submitter. Criteria: ARUP Molecular Germline Variant Investigation Process 2021. Collection method: clinical testing. Allele origin: germline.

Labcorp Genetics (formerly Invitae), Labcorp
Classification: Benign. Last evaluated: 2019-12-31. Review status: criteria provided, single submitter. Criteria: Invitae Variant Classification Sherloc (09022015). Collection method: clinical testing. Allele origin: germline.

PreventionGenetics, part of Exact Sciences
Classification: Benign. Review status: criteria provided, single submitter. Criteria: ACMG Guidelines, 2015. Collection method: clinical testing. Allele origin: germline.

OMIM
Classification: Pathogenic for HEMANGIOMA, CAPILLARY INFANTILE, SOMATIC. Last evaluated: 2002-03-01. Review status: no assertion criteria provided. Collection method: literature only. Allele origin: somatic. Not counted in ClinVar's aggregate classification.

Clinical Genetics, Academic Medical Center
Classification: Benign. Review status: no assertion criteria provided. Collection method: clinical testing. Allele origin: germline. Affected: yes. Study: VKGL Data-share Consensus. Not counted in ClinVar's aggregate classification.

Diagnostic Laboratory, Department of Genetics, University Medical Center Groningen
Classification: Benign. Review status: no assertion criteria provided. Collection method: clinical testing. Allele origin: germline. Affected: yes. Study: VKGL Data-share Consensus. Not counted in ClinVar's aggregate classification.

Literature cited by the submitters: PubMed 11807987 (cited by OMIM).